The following is an entry in ClinVar:

ClinVar aggregate classification (germline): Uncertain significance (1 of 4 stars; one submission).

Conditions:
Usher syndrome type 1D (USH1D). Also called: USHER SYNDROME, TYPE ID. Identifiers: Orphanet 231169, Orphanet 886, MedGen C1832845, MONDO:0010984, OMIM 601067.

Submission:

Molecular Genetics Laboratory; Baylor College of Medicine
Classification: Uncertain significance. Review status: criteria provided, single submitter. Criteria: Submitter's publication. Collection method: not provided. Allele origin: unknown.
ClinVar note: Converted during submission from unknown to Uncertain significance.

NM_022124.6(CDH23):c.3929C>A (p.Ala1310Asp)

Genes: C10orf105 (chromosome 10 open reading frame 105; minus strand), CDH23 (cadherin related 23; plus strand). Cytogenetic location: 10q22.1.
Variant type: single nucleotide variant.
Coding change: c.3929C>A on transcript NM_022124.6 (MANE Select); coding-DNA position 3929, C replaced by A.
Protein change: p.Ala1310Asp; replaces alanine 1310 with aspartic acid.
Molecular consequence: missense variant. On other transcripts: intron variant (1).
Genome position (GRCh38, 1-based): chr10:71,732,200, C>A. VCF-style: chr10-71732200-C-A. GRCh37 (hg19) VCF-style: chr10-73491957-C-A.
Other names: c.3929C>A, p.Ala1310Asp (NM_001171930.2); c.-6+5528G>T (NM_001168390.2); short protein forms A1310D.
Identifiers: ClinVar variation 133304 (VCV000133304.4), dbSNP rs483353051, ClinGen allele CA269903.